The following is an entry in ClinVar:

NM_000051.4(ATM):c.5217_5231del (p.Asn1739_Thr1743del)

Gene: ATM (ATM serine/threonine kinase; plus strand). Cytogenetic location: 11q22.3.
Variant type: Deletion.
Coding change: c.5217_5231del on transcript NM_000051.4 (MANE Select); coding-DNA positions 5217 to 5231, 15 bases deleted (CATTTTAGCCACAAA).
Protein change: p.Asn1739_Thr1743del.
Molecular consequence: inframe deletion.
Genome position (GRCh38, 1-based): chr11:108,301,687-108,301,701, CATTTTAGCCACAAA deleted; deleting any 15 consecutive bases within chr11:108,301,684-108,301,701 gives the same sequence; the c. name uses the placement nearest the transcript's 3' end. VCF-style (leftmost placement, unchanged base first): chr11-108301683-AAAACATTTTAGCCAC-A. GRCh37 (hg19) VCF-style: chr11-108172410-AAAACATTTTAGCCAC-A.
Other names: c.5217_5231del, p.Asn1739_Thr1743del (NM_001351834.2).
Identifiers: ClinVar variation 1062106 (VCV001062106.9), dbSNP rs2135912726, ClinGen allele CA2499220652.

ClinVar aggregate classification (germline): Pathogenic (1 of 4 stars; one submission).

Conditions:
Ataxia-telangiectasia syndrome (AT). Also called: ATAXIA-TELANGIECTASIA, FRESNO VARIANT; Ataxia-telangiectasia, complementation group D; AT, COMPLEMENTATION GROUP C; Ataxia-telangiectasia; Ataxia-telangiectasia, complementation group E; Ataxia telangiectasia (A-T). Identifiers: Orphanet 100, MedGen C0004135, MONDO:0008840, OMIM 208900.

Submission:

Labcorp Genetics (formerly Invitae), Labcorp
Classification: Pathogenic for Ataxia-telangiectasia syndrome. Last evaluated: 2023-07-14. Review status: criteria provided, single submitter. Criteria: Invitae Variant Classification Sherloc (09022015). Collection method: clinical testing. Allele origin: germline.
Comment: For these reasons, this variant has been classified as Pathogenic. This variant disrupts a region of the ATM protein in which other variant(s) (p.Thr1743Ile) have been determined to be pathogenic (PMID: 9463314, 19147735, 21792198, 31921190). This suggests that this is a clinically significant region of the protein, and that variants that disrupt it are likely to be disease-causing. Algorithms developed to predict the effect of sequence changes on RNA splicing suggest that this variant may create or strengthen a splice site. ClinVar contains an entry for this variant (Variation ID: 1062106). This variant has not been reported in the literature in individuals affected with ATM-related conditions. This variant is not present in population databases (gnomAD no frequency). This variant, c.5217_5231del, results in the deletion of 5 amino acid(s) of the ATM protein (p.Asn1739_Thr1743del), but otherwise preserves the integrity of the reading frame.

Literature cited by the submitters: PubMed 9463314; PubMed 19147735; PubMed 21792198; PubMed 31921190.